The following is an entry in ClinVar:

ClinVar aggregate classification (germline): Uncertain significance (1 of 4 stars; one submission).

Conditions:
Hereditary sensory and autonomic neuropathy type 6. Also called: HSAN VI; Neuropathy, hereditary sensory and autonomic, type VI. Identifiers: Orphanet 314381, MedGen C3539003, MONDO:0013839, OMIM 614653.
Epidermolysis bullosa simplex 3, localized or generalized intermediate, with BP230 deficiency (EBS3). Also called: Epidermolysis bullosa simplex, autosomal recessive 2; Epidermolysis bullosa simplex due to BP230 deficiency. Identifiers: Orphanet 412181, MedGen C3809470, MONDO:0014180, OMIM 615425.

Allele frequency attached by ClinVar (database versions not stated): gnomAD exomes below 0.00001; TOPMed below 0.00001; gnomAD 0.00001.
gnomAD v4.1: 7 of 1,614,112 alleles (0.00043%); highest among the groups gnomAD compares: African/African-American, 0.008%; no homozygotes.

Submission:

Labcorp Genetics (formerly Invitae), Labcorp
Classification: Uncertain significance for Epidermolysis bullosa simplex 3, localized or generalized intermediate, with BP230 deficiency; Hereditary sensory and autonomic neuropathy type 6. Last evaluated: 2021-09-01. Review status: criteria provided, single submitter. Criteria: Invitae Variant Classification Sherloc (09022015). Collection method: clinical testing. Allele origin: germline.
Comment: This sequence change replaces glutamic acid with alanine at codon 1866 of the DST protein (p.Glu1866Ala). The glutamic acid residue is highly conserved and there is a moderate physicochemical difference between glutamic acid and alanine. This variant is not present in population databases (ExAC no frequency). This variant has not been reported in the literature in individuals affected with DST-related conditions. Algorithms developed to predict the effect of missense changes on protein structure and function are either unavailable or do not agree on the potential impact of this missense change (SIFT: "Deleterious"; PolyPhen-2: "Benign"; Align-GVGD: "Class C25"). In summary, the available evidence is currently insufficient to determine the role of this variant in disease. Therefore, it has been classified as a Variant of Uncertain Significance.

NM_001723.7(DST):c.5597A>C (p.Glu1866Ala)

Gene: DST (dystonin; minus strand). Cytogenetic location: 6p12.1.
Variant type: single nucleotide variant.
Coding change: c.5597A>C on transcript NM_001723.7 (MANE Plus Clinical); coding-DNA position 5597, A replaced by C.
Protein change: p.Glu1866Ala; replaces glutamic acid 1866 with alanine.
Molecular consequence: missense variant. On other transcripts: intron variant (10).
Genome position (GRCh38, 1-based): chr6:56,618,437, T>G on the plus strand (A>C on the coding strand, the complement: DST is on the minus strand). VCF-style: chr6-56618437-T-G. GRCh37 (hg19) VCF-style: chr6-56483235-T-G.
Other names: c.4831-3953A>C (NM_001144769.5); c.4930-3953A>C (NM_001374722.1, NM_001374736.1); c.4957-3953A>C (NM_001374734.1); c.4417-3953A>C (NM_001144770.2); c.4297-3953A>C (NM_001374730.1, NM_001386100.1, NM_183380.4 and 1 more transcripts); c.3319-3953A>C (NM_015548.5); short protein forms E1866A.
Identifiers: ClinVar variation 643378 (VCV000643378.6), dbSNP rs1316065561, ClinGen allele CA364567003.